The following is an entry in ClinVar:

ClinVar aggregate classification (germline): Conflicting classifications of pathogenicity. Review status: criteria provided, conflicting classifications (1 of 4 stars). 2 submissions from 2 submitters: Uncertain significance (1); Likely benign (1). Last evaluated 2025-09-09.

Conditions:
Familial adenomatous polyposis 2. Also called: COLORECTAL ADENOMATOUS POLYPOSIS, AUTOSOMAL RECESSIVE; ADENOMAS, MULTIPLE COLORECTAL, AUTOSOMAL RECESSIVE; MUTYH-associated polyposis; MUTYH Polyposis; Adenomas, multiple colorectal; MUTYH-related attenuated familial adenomatous polyposis. Identifiers: Orphanet 220460, Orphanet 247798, MedGen C3272841, MONDO:0012041, OMIM 608456.
Hereditary cancer-predisposing syndrome. Also called: Hereditary Cancer Syndrome; Neoplastic Syndromes, Hereditary; Hereditary neoplastic syndrome; Tumor predisposition. Identifiers: Orphanet 140162, MedGen C0027672, MeSH D009386, MONDO:0015356.

Allele frequency attached by ClinVar (database versions not stated): gnomAD exomes 0.00001; TOPMed 0.00001; ExAC 0.00002; gnomAD 0.00003.

Submissions (2):

Ambry Genetics
Classification: Likely benign for Hereditary cancer-predisposing syndrome. Last evaluated: 2025-09-09. Review status: criteria provided, single submitter. Criteria: Ambry Variant Classification Scheme 2023. Collection method: clinical testing. Allele origin: germline.

Labcorp Genetics (formerly Invitae), Labcorp
Classification: Uncertain significance for Familial adenomatous polyposis 2. Last evaluated: 2023-09-14. Review status: criteria provided, single submitter. Criteria: Invitae Variant Classification Sherloc (09022015). Collection method: clinical testing. Allele origin: germline.
Comment: This sequence change replaces glutamine, which is neutral and polar, with proline, which is neutral and non-polar, at codon 416 of the MUTYH protein (p.Gln416Pro). In summary, the available evidence is currently insufficient to determine the role of this variant in disease. Therefore, it has been classified as a Variant of Uncertain Significance. Algorithms developed to predict the effect of missense changes on protein structure and function output the following: SIFT: "Not Available"; PolyPhen-2: "Benign"; Align-GVGD: "Not Available". The proline amino acid residue is found in multiple mammalian species, which suggests that this missense change does not adversely affect protein function. ClinVar contains an entry for this variant (Variation ID: 1447992). This variant has not been reported in the literature in individuals affected with MUTYH-related conditions. This variant is present in population databases (rs730881835, gnomAD 0.02%).

NM_001048174.2(MUTYH):c.1163A>C (p.Gln388Pro)

Gene: MUTYH (mutY DNA glycosylase; minus strand). Cytogenetic location: 1p34.1.
Variant type: single nucleotide variant.
Coding change: c.1163A>C on transcript NM_001048174.2 (MANE Select); coding-DNA position 1163, A replaced by C.
Protein change: p.Gln388Pro; replaces glutamine 388 with proline.
Molecular consequence: missense variant. On other transcripts: non-coding transcript variant (2).
Genome position (GRCh38, 1-based): chr1:45,331,496, T>G on the plus strand (A>C on the coding strand, the complement: MUTYH is on the minus strand). VCF-style: chr1-45331496-T-G. GRCh37 (hg19) VCF-style: chr1-45797168-T-G.
Other names: c.1163A>C, p.Gln388Pro (NM_001048171.2, NM_001048173.2, NM_001293195.2); c.1166A>C, p.Gln389Pro (NM_001048172.2); c.1247A>C, p.Gln416Pro (NM_001128425.2); c.1208A>C, p.Gln403Pro (NM_001293190.2); c.1196A>C, p.Gln399Pro (NM_001293191.2); c.887A>C, p.Gln296Pro (NM_001293192.2, NM_001293196.2); c.818A>C, p.Gln273Pro (NM_001350650.2, NM_001350651.2); c.1238A>C, p.Gln413Pro (NM_012222.3); short protein forms Q399P, Q273P, Q403P, Q413P, Q296P, Q389P, Q388P, Q416P.
Identifiers: ClinVar variation 1447992 (VCV001447992.9), dbSNP rs730881835, ClinGen allele CA055687.
Genomic context (GRCh38, chr1:45,331,496, plus strand): 5'-AGGTGCGTGGCTGGGAGGGGCCCAGCCCAACGCTGTAGTTCCTGCAGCAGGGCCTTGCGC[T>G]GAAGCTGCTCTGAGGGCTCCCAGGTCACGGACGGGAACTCCCACAGTCCTGCCAGCAGAC-3'
Protein context (NP_001041639.1, residues 378-398): SVTWEPSEQL[Gln388Pro]RKALLQELQR